The following is an entry in ClinVar:

NM_021098.3(CACNA1H):c.6622G>A (p.Ala2208Thr)

Gene: CACNA1H (calcium voltage-gated channel subunit alpha1 H; plus strand). Cytogenetic location: 16p13.3.
Variant type: single nucleotide variant.
Coding change: c.6622G>A on transcript NM_021098.3 (MANE Select); coding-DNA position 6622, G replaced by A.
Protein change: p.Ala2208Thr; replaces alanine 2208 with threonine.
Molecular consequence: missense variant.
Genome position (GRCh38, 1-based): chr16:1,220,554, G>A. VCF-style: chr16-1220554-G-A. GRCh37 (hg19) VCF-style: chr16-1270554-G-A.
Other names: c.6604G>A, p.Ala2202Thr (NM_001005407.2); short protein forms A2202T, A2208T.
Identifiers: ClinVar variation 767244 (VCV000767244.16), dbSNP rs60445853, ClinGen allele CA7802441.

ClinVar aggregate classification (germline): Conflicting classifications of pathogenicity. Review status: criteria provided, conflicting classifications (1 of 4 stars). 6 submissions from 6 submitters: Uncertain significance (2); Benign (1); Likely benign (1). 2 of the submissions do not count toward it. Last evaluated 2026-06-15.

Conditions:
Inborn genetic diseases. Identifiers: MedGen C0950123, MeSH D030342.
Idiopathic generalized epilepsy. Also called: Generalised epilepsy; EIG. Identifiers: MedGen C0270850, MONDO:0005579, OMIM 600669.
Hyperaldosteronism, familial, type IV (HALD4). Also called: FH IV; ALDOSTERONISM, PRIMARY, AND HYPERTENSION. Identifiers: Orphanet 642671, MedGen C4310756, MONDO:0014875, OMIM 617027.

Allele frequency attached by ClinVar (database versions not stated): gnomAD exomes 0.00030 and 0.00062; ExAC 0.00062; 1000 Genomes Project 30x 0.00094; 1000 Genomes Project 0.00120; ESP Exome Variant Server 0.00164; gnomAD 0.00201 and 0.00223; TOPMed 0.00221.
gnomAD v4.1: 732 of 1,530,300 alleles (0.048%); highest among the groups gnomAD compares: African/African-American, 0.71%; 2 homozygotes.

Submissions (6):

GeneDx
Classification: Uncertain significance. Last evaluated: 2026-06-15. Review status: criteria provided, single submitter. Criteria: GeneDx Variant Classification Process June 2021. Collection method: clinical testing. Allele origin: germline.
Comment: In silico analysis suggests that this missense variant does not alter protein structure/function; Has not been previously published in association with a CACNA1H-related disorder to our knowledge; This variant is associated with the following publications: (PMID: 38735682)

Labcorp Genetics (formerly Invitae), Labcorp
Classification: Benign for Idiopathic generalized epilepsy; Hyperaldosteronism, familial, type IV. Last evaluated: 2026-01-24. Review status: criteria provided, single submitter. Criteria: Invitae Variant Classification Sherloc (09022015). Collection method: clinical testing. Allele origin: germline.

Blueprint Genetics
Classification: Likely benign. Last evaluated: 2024-06-24. Review status: criteria provided, single submitter. Criteria: ACMG Guidelines, 2015. Collection method: clinical testing. Allele origin: germline.

Ambry Genetics
Classification: Uncertain significance for Inborn genetic diseases. Last evaluated: 2024-02-13. Review status: criteria provided, single submitter. Criteria: Ambry Variant Classification Scheme 2023. Collection method: clinical testing. Allele origin: germline.

Clinical Genetics DNA and cytogenetics Diagnostics Lab, Erasmus MC, Erasmus Medical Center
Classification: Likely benign. Review status: no assertion criteria provided. Collection method: clinical testing. Allele origin: germline. Affected: yes. Study: VKGL Data-share Consensus. Not counted in ClinVar's aggregate classification.

Laboratory of Diagnostic Genome Analysis, Leiden University Medical Center (LUMC)
Classification: Likely benign. Review status: no assertion criteria provided. Collection method: clinical testing. Allele origin: germline. Affected: yes. Study: VKGL Data-share Consensus. Not counted in ClinVar's aggregate classification.